The following is an entry in ClinVar:

ClinVar aggregate classification (germline): Uncertain significance. Review status: criteria provided, multiple submitters, no conflicts (2 of 4 stars). 2 submissions from 2 submitters: Uncertain significance (2). Last evaluated 2022-02-08.

Conditions:
Ataxia-telangiectasia syndrome (AT). Also called: Ataxia telangiectasia (A-T); LOUIS-BAR SYNDROME; Cerebello-oculocutaneous telangiectasia; Immunodeficiency with ataxia telangiectasia; Ataxia-telangiectasia, complementation group D; AT, COMPLEMENTATION GROUP C. Identifiers: Orphanet 100, MedGen C0004135, MONDO:0008840, OMIM 208900.
Hereditary cancer-predisposing syndrome. Also called: Neoplastic Syndromes, Hereditary; Tumor predisposition; Hereditary neoplastic syndrome; Hereditary Cancer Syndrome. Identifiers: Orphanet 140162, MedGen C0027672, MeSH D009386, MONDO:0015356.

gnomAD v4.1: 2 of 1,613,870 alleles (0.00012%); highest among the groups gnomAD compares: South Asian, 0.0022%; no homozygotes.

Submissions (2):

Labcorp Genetics (formerly Invitae), Labcorp
Classification: Uncertain significance for Ataxia-telangiectasia syndrome. Last evaluated: 2022-02-08. Review status: criteria provided, single submitter. Criteria: Invitae Variant Classification Sherloc (09022015). Collection method: clinical testing. Allele origin: germline.
Comment: This sequence change replaces lysine, which is basic and polar, with methionine, which is neutral and non-polar, at codon 215 of the ATM protein (p.Lys215Met). This variant is present in population databases (no rsID available, gnomAD 0.003%). This variant has not been reported in the literature in individuals affected with ATM-related conditions. Advanced modeling of protein sequence and biophysical properties (such as structural, functional, and spatial information, amino acid conservation, physicochemical variation, residue mobility, and thermodynamic stability) performed at Invitae indicates that this missense variant is not expected to disrupt ATM protein function. In summary, the available evidence is currently insufficient to determine the role of this variant in disease. Therefore, it has been classified as a Variant of Uncertain Significance.

Ambry Genetics
Classification: Uncertain significance for Hereditary cancer-predisposing syndrome. Last evaluated: 2020-09-21. Review status: criteria provided, single submitter. Criteria: Ambry Variant Classification Scheme 2023. Collection method: clinical testing. Allele origin: germline.
Comment: The p.K215M variant (also known as c.644A>T), located in coding exon 5 of the ATM gene, results from an A to T substitution at nucleotide position 644. The lysine at codon 215 is replaced by methionine, an amino acid with similar properties. This amino acid position is well conserved in available vertebrate species. In addition, this alteration is predicted to be tolerated by in silico analysis. Since supporting evidence is limited at this time, the clinical significance of this alteration remains unclear.

NM_000051.4(ATM):c.644A>T (p.Lys215Met)

Gene: ATM (ATM serine/threonine kinase; plus strand). Cytogenetic location: 11q22.3.
Variant type: single nucleotide variant.
Coding change: c.644A>T on transcript NM_000051.4 (MANE Select); coding-DNA position 644, A replaced by T.
Protein change: p.Lys215Met; replaces lysine 215 with methionine.
Molecular consequence: missense variant.
Genome position (GRCh38, 1-based): chr11:108,244,100, A>T. VCF-style: chr11-108244100-A-T. GRCh37 (hg19) VCF-style: chr11-108114827-A-T.
Other names: c.644A>T, p.Lys215Met (NM_001351834.2); short protein forms K215M.
Identifiers: ClinVar variation 1753589 (VCV001753589.4), dbSNP rs755074633, ClinGen allele CA382528502.